The following is an entry in ClinVar:

NM_004453.4(ETFDH):c.1134del (p.Pro380fs)

Gene: ETFDH (electron transfer flavoprotein dehydrogenase; plus strand). Cytogenetic location: 4q32.1.
Variant type: Deletion.
Coding change: c.1134del on transcript NM_004453.4 (MANE Select); coding-DNA position 1134, one base deleted (C; older notation c.1134delC).
Protein change: p.Pro380fs; shifts the reading frame from proline 380.
Molecular consequence: frameshift variant.
Genome position (GRCh38, 1-based): chr4:158,703,440, C deleted; the last of 2 consecutive C bases (chr4:158,703,439-158,703,440); deleting either gives the same sequence. VCF-style (leftmost placement, unchanged base first): chr4-158703438-AC-A. GRCh37 (hg19) VCF-style: chr4-159624590-AC-A.
Other names: c.993del, p.Pro333fs (NM_001281737.2); c.951del, p.Pro319fs (NM_001281738.1); short protein forms P319fs, P333fs, P380fs.
Identifiers: ClinVar variation 1075333 (VCV001075333.9), dbSNP rs1369800014, ClinGen allele CA789733610.

ClinVar aggregate classification (germline): Pathogenic/Likely pathogenic. Review status: criteria provided, multiple submitters, no conflicts (2 of 4 stars). 2 submissions from 2 submitters: Pathogenic (1); Likely pathogenic (1). Last evaluated 2024-06-07.

Conditions:
Multiple acyl-CoA dehydrogenase deficiency (MADD). Also called: ETHYLMALONIC-ADIPICACIDURIA; GA II; Glutaric Acidemia type 2; Glutaric acidemia type II; GA 2; Glutaric aciduria, type 2. Identifiers: Orphanet 26791, MedGen C0268596, MONDO:0009282, OMIM 231680.

Submissions (2):

Labcorp Genetics (formerly Invitae), Labcorp
Classification: Pathogenic for Multiple acyl-CoA dehydrogenase deficiency. Last evaluated: 2024-06-07. Review status: criteria provided, single submitter. Criteria: Invitae Variant Classification Sherloc (09022015). Collection method: clinical testing. Allele origin: germline.
Comment: This sequence change creates a premature translational stop signal (p.Pro380Leufs*5) in the ETFDH gene. It is expected to result in an absent or disrupted protein product. Loss-of-function variants in ETFDH are known to be pathogenic (PMID: 16510302, 23785301). This variant is not present in population databases (gnomAD no frequency). This variant has not been reported in the literature in individuals affected with ETFDH-related conditions. ClinVar contains an entry for this variant (Variation ID: 1075333). For these reasons, this variant has been classified as Pathogenic.

Baylor Genetics
Classification: Likely pathogenic for Multiple acyl-CoA dehydrogenase deficiency. Last evaluated: 2024-02-07. Review status: criteria provided, single submitter. Criteria: ACMG Guidelines, 2015. Collection method: clinical testing. Allele origin: unknown.

Literature cited by the submitters: PubMed 16510302 (cited by Labcorp Genetics (formerly Invitae), Labcorp); PubMed 23785301 (cited by Labcorp Genetics (formerly Invitae), Labcorp).